The following is an entry in ClinVar:

NM_001369369.1(FOXN1):c.723C>G (p.Tyr241Ter)

Gene: FOXN1 (forkhead box N1; plus strand). Cytogenetic location: 17q11.2.
Variant type: single nucleotide variant.
Coding change: c.723C>G on transcript NM_001369369.1 (MANE Select); coding-DNA position 723, C replaced by G.
Protein change: p.Tyr241Ter; replaces tyrosine 241 with a stop codon.
Molecular consequence: nonsense.
Genome position (GRCh38, 1-based): chr17:28,529,117, C>G. VCF-style: chr17-28529117-C-G. GRCh37 (hg19) VCF-style: chr17-26856135-C-G.
Other names: NM_001369369.1(FOXN1):c.723C>G; p.Tyr241Ter; c.723C>G, p.Tyr241Ter (NM_003593.3); short protein forms Y241*.
Identifiers: ClinVar variation 1070970 (VCV001070970.6), dbSNP rs2151491863, ClinGen allele CA398322989.

ClinVar aggregate classification (germline): Pathogenic. Review status: reviewed by expert panel (3 of 4 stars). 2 submissions from 2 submitters: Pathogenic (1). 1 of the submissions does not count toward it. Last evaluated 2025-04-25.

Conditions:
T-cell immunodeficiency, congenital alopecia, and nail dystrophy. Also called: Congenital alopecia and nail dystrophy associated with severe functional T-cell immunodeficiency; Pignata Guarino syndrome. Identifiers: Orphanet 169095, MedGen C1866426, MONDO:0011132, OMIM 601705.

Submissions (2):

ClinGen Severe Combined Immunodeficiency Variant Curation Expert Panel, ClinGen
Classification: Pathogenic for T-cell immunodeficiency, congenital alopecia, and nail dystrophy. Last evaluated: 2025-04-25. Review status: reviewed by expert panel. Criteria: ClinGen SCID ACMG Specifications FOXN1 V2.0.0. Collection method: curation. Allele origin: germline. Inheritance: Semidominant inheritance.
Comment: The NM_001369369.1:c.723C>G variant in FOXN1 is a nonsense variant predicted to cause a premature stop codon in biologically-relevant-exon 5/9 leading to nonsense mediated decay (PVS1). The variant is absent in gnomAD v4.1.0 database (PM2_Supporting). A pathogenic variant p.Arg255Ter curated by the SCID VCEP causes premature termination codon in the same exon and downstream to the variant under assessment (PM5_Supporting). In summary, this variant meets the criteria to be classified as pathogenic for SCID. ACMG/AMP criteria applied, as specified by the ClinGen SCID-VCEP: PVS1, PM2_Supporting, PM5_Supporting. (VCEP specifications version 2.0.0)

Labcorp Genetics (formerly Invitae), Labcorp
Classification: Pathogenic for T-cell immunodeficiency, congenital alopecia, and nail dystrophy. Last evaluated: 2020-10-12. Review status: criteria provided, single submitter. Criteria: Invitae Variant Classification Sherloc (09022015). Collection method: clinical testing. Allele origin: germline. Not counted in ClinVar's aggregate classification.
Comment: Loss-of-function variants in FOXN1 are known to be pathogenic (PMID: 10206641, 15180707, 31447097). This sequence change creates a premature translational stop signal (p.Tyr241*) in the FOXN1 gene. It is expected to result in an absent or disrupted protein product. This variant is not present in population databases (ExAC no frequency). This variant has not been reported in the literature in individuals with FOXN1-related conditions. For these reasons, this variant has been classified as Pathogenic.

Literature cited by the submitters: PubMed 10206641 (cited by Labcorp Genetics (formerly Invitae), Labcorp); PubMed 15180707 (cited by Labcorp Genetics (formerly Invitae), Labcorp); PubMed 31447097 (cited by Labcorp Genetics (formerly Invitae), Labcorp).